The following is an entry in ClinVar:

NM_000277.3(PAH):c.234dup (p.Phe79fs)

Gene: PAH (phenylalanine hydroxylase; minus strand). Cytogenetic location: 12q23.2.
Variant type: Duplication.
Coding change: c.234dup on transcript NM_000277.3 (MANE Select); coding-DNA position 234, one base duplicated (A; older notation c.234dupA).
Protein change: p.Phe79fs; shifts the reading frame from phenylalanine 79.
Molecular consequence: frameshift variant.
Genome position (GRCh38, 1-based): chr12:102,894,853, T duplicated on the plus strand (A on the coding strand, the reverse complement: PAH is on the minus strand); the first of 2 consecutive T bases (chr12:102,894,853-102,894,854); duplicating either gives the same sequence. VCF-style (leftmost placement, unchanged base first): chr12-102894852-A-AT. GRCh37 (hg19) VCF-style: chr12-103288630-A-AT.
Other names: c.234dupA (NM_000277.3); c.234dup, p.Phe79fs (NM_001354304.2); short protein forms F79fs.
Identifiers: ClinVar variation 3629974 (VCV003629974.1).

ClinVar aggregate classification (germline): Pathogenic (1 of 4 stars; one submission).

Conditions:
Phenylketonuria (PKU). Also called: FOLLING DISEASE; OLIGOPHRENIA PHENYLPYRUVICA; Phenylketonurias; Phenylketonuria (PKU). Identifiers: Orphanet 716, MedGen C0031485, MONDO:0009861, OMIM 261600. Disease mechanism: loss of function.

Submission:

Women's Health and Genetics/Laboratory Corporation of America, LabCorp
Classification: Pathogenic for Phenylketonuria. Last evaluated: 2024-11-20. Review status: criteria provided, single submitter. Criteria: LabCorp Variant Classification Summary - May 2015. Collection method: clinical testing. Allele origin: germline.
Comment: Variant summary: PAH c.234dupA (p.Phe79Ilefs*7) results in a premature termination codon, predicted to cause a truncation of the encoded protein or absence of the protein due to nonsense mediated decay, which are commonly known mechanisms for disease. The variant was absent in 251422 control chromosomes. c.234dupA has been reported in the literature in at least one individual affected with Phenylalanine Hydroxylase Deficiency (Phenylketonuria) (e.g, Zhang_2019). To our knowledge, no experimental evidence demonstrating an impact on protein function has been reported.The following publication has been ascertained in the context of this evaluation (PMID: 31102715). No submitters have cited clinical-significance assessments for this variant to ClinVar. Based on the evidence outlined above, the variant was classified as pathogenic.

Literature cited by the submitters: PubMed 31102715.